The following is an entry in ClinVar:

NM_000709.4(BCKDHA):c.1167+17C>G

Gene: BCKDHA (branched chain keto acid dehydrogenase E1 subunit alpha; plus strand). Cytogenetic location: 19q13.2.
Variant type: single nucleotide variant.
Coding change: c.1167+17C>G on transcript NM_000709.4 (MANE Select); 17 bases into the intron after coding-DNA position 1167, C replaced by G.
Molecular consequence: intron variant.
Genome position (GRCh38, 1-based): chr19:41,423,186, C>G. VCF-style: chr19-41423186-C-G. GRCh37 (hg19) VCF-style: chr19-41929091-C-G.
Other names: c.1164+17C>G (NM_001164783.2).
Identifiers: ClinVar variation 516783 (VCV000516783.5), dbSNP rs550593850, ClinGen allele CA9461377.

ClinVar aggregate classification (germline): Benign/Likely benign. Review status: criteria provided, multiple submitters, no conflicts (2 of 4 stars). 3 submissions from 3 submitters: Benign (1); Likely benign (2). Last evaluated 2026-01-19.

Conditions:
Maple syrup urine disease (MSUD). Identifiers: Orphanet 511, MedGen C0024776, MeSH D008375, MONDO:0009563. Disease mechanism: loss of function.

Allele frequency attached by ClinVar (database versions not stated): 1000 Genomes Project 30x 0.00031; 1000 Genomes Project 0.00040.
gnomAD v4.1: 187 of 1,550,414 alleles (0.012%); highest among the groups gnomAD compares: South Asian, 0.2%; no homozygotes.

Submissions (3):

Labcorp Genetics (formerly Invitae), Labcorp
Classification: Benign for Maple syrup urine disease. Last evaluated: 2026-01-19. Review status: criteria provided, single submitter. Criteria: Invitae Variant Classification Sherloc (09022015). Collection method: clinical testing. Allele origin: germline.

Blueprint Genetics
Classification: Likely benign. Last evaluated: 2024-05-03. Review status: criteria provided, single submitter. Criteria: ACMG Guidelines, 2015. Collection method: clinical testing. Allele origin: germline.

GeneDx
Classification: Likely benign. Last evaluated: 2017-10-17. Review status: criteria provided, single submitter. Criteria: GeneDx Variant Classification (06012015). Collection method: clinical testing. Allele origin: germline. Affected: yes.
Comment: This variant is considered likely benign or benign based on one or more of the following criteria: it is a conservative change, it occurs at a poorly conserved position in the protein, it is predicted to be benign by multiple in silico algorithms, and/or has population frequency not consistent with disease.